The following is an entry in ClinVar:

NM_001330700.2(TOP2B):c.3952C>T (p.Pro1318Ser)

Gene: TOP2B (DNA topoisomerase II beta; minus strand). Cytogenetic location: 3p24.2.
Variant type: single nucleotide variant.
Coding change: c.3952C>T on transcript NM_001330700.2 (MANE Select); coding-DNA position 3952, C replaced by T.
Protein change: p.Pro1318Ser; replaces proline 1318 with serine.
Molecular consequence: missense variant.
Genome position (GRCh38, 1-based): chr3:25,609,324, G>A on the plus strand (C>T on the coding strand, the complement: TOP2B is on the minus strand). VCF-style: chr3-25609324-G-A. GRCh37 (hg19) VCF-style: chr3-25650815-G-A.
Other names: c.3937C>T, p.Pro1313Ser (NM_001068.3); short protein forms P1313S, P1318S.
Identifiers: ClinVar variation 3007695 (VCV003007695.3), dbSNP rs746192893, ClinGen allele CA2288183.

ClinVar aggregate classification (germline): Uncertain significance (1 of 4 stars; one submission).

Allele frequency attached by ClinVar (database versions not stated): TOPMed below 0.00001; gnomAD 0.00001; ExAC 0.00004; gnomAD exomes 0.00004.
gnomAD v4.1: 62 of 1,595,166 alleles (0.0039%); highest among the groups gnomAD compares: Non-Finnish European, 0.0049%; no homozygotes.

Submission:

Labcorp Genetics (formerly Invitae), Labcorp
Classification: Uncertain significance. Last evaluated: 2023-06-06. Review status: criteria provided, single submitter. Criteria: Invitae Variant Classification Sherloc (09022015). Collection method: clinical testing. Allele origin: germline.
Comment: In summary, the available evidence is currently insufficient to determine the role of this variant in disease. Therefore, it has been classified as a Variant of Uncertain Significance. Algorithms developed to predict the effect of missense changes on protein structure and function output the following: SIFT: "Not Available"; PolyPhen-2: "Benign"; Align-GVGD: "Not Available". The serine amino acid residue is found in multiple mammalian species, which suggests that this missense change does not adversely affect protein function. This variant has not been reported in the literature in individuals affected with TOP2B-related conditions. This variant is present in population databases (rs746192893, gnomAD 0.005%). This sequence change replaces proline, which is neutral and non-polar, with serine, which is neutral and polar, at codon 1313 of the TOP2B protein (p.Pro1313Ser).